The following is an entry in ClinVar:

ClinVar aggregate classification (germline): Uncertain significance (1 of 4 stars; one submission).

Conditions:
Juvenile polyposis syndrome (JPS). Identifiers: Orphanet 2929, MedGen C0345893, MONDO:0017380, OMIM 174900.

Submission:

Labcorp Genetics (formerly Invitae), Labcorp
Classification: Uncertain significance for Juvenile polyposis syndrome. Last evaluated: 2020-05-20. Review status: criteria provided, single submitter. Criteria: Invitae Variant Classification Sherloc (09022015). Collection method: clinical testing. Allele origin: germline.
Comment: In summary, the available evidence is currently insufficient to determine the role of this variant in disease. Therefore, it has been classified as a Variant of Uncertain Significance. Algorithms developed to predict the effect of sequence changes on RNA splicing suggest that this variant may create or strengthen a splice site, but this prediction has not been confirmed by published transcriptional studies. Algorithms developed to predict the effect of missense changes on protein structure and function (SIFT, PolyPhen-2, Align-GVGD) all suggest that this variant is likely to be tolerated, but these predictions have not been confirmed by published functional studies and their clinical significance is uncertain. This variant has not been reported in the literature in individuals with SMAD4-related conditions. This variant is not present in population databases (ExAC no frequency). This sequence change replaces methionine with isoleucine at codon 331 of the SMAD4 protein (p.Met331Ile). The methionine residue is highly conserved and there is a small physicochemical difference between methionine and isoleucine.

NM_005359.6(SMAD4):c.993G>A (p.Met331Ile)

Gene: SMAD4 (SMAD family member 4; plus strand). Cytogenetic location: 18q21.2.
Variant type: single nucleotide variant.
Coding change: c.993G>A on transcript NM_005359.6 (MANE Select); coding-DNA position 993, G replaced by A.
Protein change: p.Met331Ile; replaces methionine 331 with isoleucine.
Molecular consequence: missense variant.
Genome position (GRCh38, 1-based): chr18:51,065,460, G>A. VCF-style: chr18-51065460-G-A. GRCh37 (hg19) VCF-style: chr18-48591830-G-A.
Other names: short protein forms M331I.
Identifiers: ClinVar variation 999314 (VCV000999314.8), dbSNP rs1910120904, ClinGen allele CA402464160.